The following is an entry in ClinVar:

NM_004006.3(DMD):c.7437G>A (p.Trp2479Ter)

Gene: DMD (dystrophin; minus strand). Cytogenetic location: Xp21.1.
Variant type: single nucleotide variant.
Coding change: c.7437G>A on transcript NM_004006.3 (MANE Select); coding-DNA position 7437, G replaced by A.
Protein change: p.Trp2479Ter; replaces tryptophan 2479 with a stop codon.
Molecular consequence: nonsense.
Genome position (GRCh38, 1-based): chrX:31,774,065, C>T on the plus strand (G>A on the coding strand, the complement: DMD is on the minus strand). VCF-style: chrX-31774065-C-T. GRCh37 (hg19) VCF-style: chrX-31792182-C-T.
Other names: c.7413G>A, p.Trp2471Ter (NM_000109.4); c.7425G>A, p.Trp2475Ter (NM_004009.3); c.7068G>A, p.Trp2356Ter (NM_004010.3); c.3414G>A, p.Trp1138Ter (NM_004011.4); c.3405G>A, p.Trp1135Ter (NM_004012.4); c.57G>A, p.Trp19Ter (NM_004013.3, NM_004020.4, NM_004021.3 and 2 more transcripts); short protein forms W1135*, W1138*, W19*, W2356*, W2471*, W2475*, W2479*.
Identifiers: ClinVar variation 2737145 (VCV002737145.5), dbSNP rs2149245072, ClinGen allele CA412658933.

ClinVar aggregate classification (germline): Pathogenic. Review status: criteria provided, multiple submitters, no conflicts (2 of 4 stars). 2 submissions from 2 submitters: Pathogenic (2). Last evaluated 2025-01-29.

Conditions:
Duchenne muscular dystrophy (DMD). Also called: MUSCULAR DYSTROPHY, PSEUDOHYPERTROPHIC PROGRESSIVE, DUCHENNE TYPE; Duchenne Muscular Dystrophy (DMD). Identifiers: Orphanet 98896, MedGen C0013264, MONDO:0010679, OMIM 310200.

Submissions (2):

Institute of Medical Genetics and Genomics, Sir Ganga Ram Hospital
Classification: Pathogenic for Duchenne muscular dystrophy. Last evaluated: 2025-01-29. Review status: criteria provided, single submitter. Criteria: ACMG Guidelines, 2015. Collection method: clinical testing. Allele origin: germline. Inheritance: X-linked inheritance. Affected: yes. Observed: 1 hemizygote.
Comment: This variant, NM_004006.3(DMD):c.7437G>A (p.Trp2479Ter), is classified as pathogenic based on the ACMG/AMP criteria. The variant introduces a premature stop codon (p.Trp2479Ter) in the DMD gene, which is predicted to lead to a truncated dystrophin protein. This loss-of-function mutation is consistent with the pathogenicity of Duchenne muscular dystrophy (DMD), a severe X-linked disorder. Supporting evidence includes PVS1 (very strong evidence) for the loss-of-function mutation, PM2 (moderate evidence) from the absence of the variant in large population databases, and PP5 as the variant is already submitted in clinvar(ID-2737145) . This variant has been observed in individuals with DMD, further supporting its pathogenic role.

Labcorp Genetics (formerly Invitae), Labcorp
Classification: Pathogenic for Duchenne muscular dystrophy. Last evaluated: 2023-02-16. Review status: criteria provided, single submitter. Criteria: Invitae Variant Classification Sherloc (09022015). Collection method: clinical testing. Allele origin: germline.
Comment: This sequence change creates a premature translational stop signal (p.Trp2479*) in the DMD gene. It is expected to result in an absent or disrupted protein product. Loss-of-function variants in DMD are known to be pathogenic (PMID: 16770791, 25007885). This variant is not present in population databases (gnomAD no frequency). This premature translational stop signal has been observed in individual(s) with DMD-related conditions (PMID: 23829870). ClinVar contains an entry for this variant (Variation ID: 1322403). For these reasons, this variant has been classified as Pathogenic.

Literature cited by the submitters: PubMed 16770791 (cited by Labcorp Genetics (formerly Invitae), Labcorp); PubMed 25007885 (cited by Labcorp Genetics (formerly Invitae), Labcorp); PubMed 23829870 (cited by Labcorp Genetics (formerly Invitae), Labcorp).